The following is an entry in ClinVar:

NM_020157.4(OTOR):c.174T>A (p.Ile58=)

Gene: OTOR (otoraplin; plus strand). Cytogenetic location: 20p12.1.
Variant type: single nucleotide variant.
Coding change: c.174T>A on transcript NM_020157.4 (MANE Select); coding-DNA position 174, T replaced by A.
Protein change: p.Ile58=; no amino-acid change (isoleucine 58 retained).
Molecular consequence: synonymous variant.
Genome position (GRCh38, 1-based): chr20:16,748,925, T>A. VCF-style: chr20-16748925-T-A. GRCh37 (hg19) VCF-style: chr20-16729570-T-A.
Identifiers: ClinVar variation 4823027 (VCV004823027.4).

ClinVar aggregate classification (germline): Likely benign (1 of 4 stars; one submission).

Submission:

CeGaT Center for Human Genetics Tuebingen
Classification: Likely benign. Last evaluated: 2026-01-01. Review status: criteria provided, single submitter. Criteria: CeGaT Center For Human Genetics Tuebingen Variant Classification Criteria Version 2. Collection method: clinical testing. Allele origin: germline. Affected: yes. Observed: 1 variant allele.
Comment: OTOR: PM2:Supporting, BP4, BP7